The following is an entry in ClinVar:

ClinVar aggregate classification (germline): Uncertain significance (1 of 4 stars; one submission).

Submission:

Dasa
Classification: Uncertain significance. Last evaluated: 2025-01-03. Review status: criteria provided, single submitter. Criteria: DASA Assertion Criteria. Collection method: clinical testing. Allele origin: germline.
Comment: NM_006593.4(TBR1):c.1982A>C (p.Gln661Pro) is a missense variant that results in the substitution of glutamine with proline. This variant is absent from population databases. Computational prediction algorithms are consistent with a benign effect. The currently available literature and clinical evidence are not sufficient to establish a definitive association between this variant and the reported condition. Therefore, this variant is classified as a variant of uncertain significance.

NM_006593.4(TBR1):c.1982A>C (p.Gln661Pro)

Gene: TBR1 (T-box brain transcription factor 1; plus strand). Cytogenetic location: 2q24.2.
Variant type: single nucleotide variant.
Coding change: c.1982A>C on transcript NM_006593.4 (MANE Select); coding-DNA position 1982, A replaced by C.
Protein change: p.Gln661Pro; replaces glutamine 661 with proline.
Molecular consequence: missense variant.
Genome position (GRCh38, 1-based): chr2:161,424,160, A>C. VCF-style: chr2-161424160-A-C. GRCh37 (hg19) VCF-style: chr2-162280671-A-C.
Other names: short protein forms Q661P.
Identifiers: ClinVar variation 4885271 (VCV004885271.2).
Genomic context (GRCh38, chr2:161,424,160, plus strand): 5'-CGCCGGCCGACACGCCCGTGTCCGAGAGTTCGTCCCCGCTCAAGAGCGAGGTGCTGGCCC[A>C]GCGGGACTGCGAGAAGAACTGCGCCAAGGACATTAGCGGCTACTATGGCTTCTACTCGCA-3'
Protein context (NP_006584.1, residues 651-671): SSPLKSEVLA[Gln661Pro]RDCEKNCAKD